The following is an entry in ClinVar:

ClinVar aggregate classification (germline): Uncertain significance (1 of 4 stars; one submission).

Submissions (2):

GeneDx
Classification: Uncertain significance. Last evaluated: 2024-11-03. Review status: criteria provided, single submitter. Criteria: GeneDx Variant Classification Process June 2021. Collection method: clinical testing. Allele origin: germline. Affected: yes.
Comment: Not observed at significant frequency in large population cohorts (gnomAD); In silico analysis indicates that this missense variant does not alter protein structure/function; Has not been previously published as pathogenic or benign to our knowledge

Dr. Peter K. Rogan Lab, Western University
No classification provided (evidence only). Condition: Ovarian serous cystadenocarcinoma. Review status: no classification provided. Collection method: in vitro. Allele origin: not applicable. Functional consequence: retained intron. Not counted in ClinVar's aggregate classification.

NM_006225.4(PLCD1):c.208G>A (p.Glu70Lys)

Gene: PLCD1 (phospholipase C delta 1; minus strand). Cytogenetic location: 3p22.2.
Variant type: single nucleotide variant.
Coding change: c.208G>A on transcript NM_006225.4 (MANE Select); coding-DNA position 208, G replaced by A.
Protein change: p.Glu70Lys; replaces glutamic acid 70 with lysine.
Molecular consequence: missense variant. On other transcripts: non-coding transcript variant (1).
Genome position (GRCh38, 1-based): chr3:38,016,711, C>T on the plus strand (G>A on the coding strand, the complement: PLCD1 is on the minus strand). VCF-style: chr3-38016711-C-T. GRCh37 (hg19) VCF-style: chr3-38058202-C-T.
Other names: NC_000003.11:g.38058202C>T; c.271G>A, p.Glu91Lys (NM_001130964.2); short protein forms E70K, E91K.
Identifiers: ClinVar variation 3897340 (VCV003897340.2).
Genomic context (GRCh38, chr3:38,016,711, plus strand): 5'-CACGGGCGAACTTCTCCAGACCCTCCGTGCGGTGCCCCATTCGCACCTCCTGAATGTCCT[C>T]GATGGAGACTGCGAGAGGGGGATGGTGGAGGAGAGAGGGAGAGAATGCTGTGAGGTCAGT-3'
Protein context (NP_006216.2, residues 60-80): RTPESQLFSI[Glu70Lys]DIQEVRMGHR